The following is an entry in ClinVar:

ClinVar aggregate classification (germline): Uncertain significance (1 of 4 stars; one submission).

Submission:

CeGaT Center for Human Genetics Tuebingen
Classification: Uncertain significance. Last evaluated: 2024-07-01. Review status: criteria provided, single submitter. Criteria: CeGaT Center For Human Genetics Tuebingen Variant Classification Criteria Version 2. Collection method: clinical testing. Allele origin: germline. Affected: yes. Observed: 1 variant allele.
Comment: HNRNPDL: PM2

NM_031372.4(HNRNPDL):c.952C>T (p.Gln318Ter)

Gene: HNRNPDL (heterogeneous nuclear ribonucleoprotein D like; minus strand). Cytogenetic location: 4q21.22.
Variant type: single nucleotide variant.
Coding change: c.952C>T on transcript NM_031372.4 (MANE Select); coding-DNA position 952, C replaced by T.
Protein change: p.Gln318Ter; replaces glutamine 318 with a stop codon.
Molecular consequence: nonsense. On other transcripts: non-coding transcript variant (1).
Genome position (GRCh38, 1-based): chr4:82,427,259, G>A on the plus strand (C>T on the coding strand, the complement: HNRNPDL is on the minus strand). VCF-style: chr4-82427259-G-A. GRCh37 (hg19) VCF-style: chr4-83348412-G-A.
Other names: c.952C>T, p.Gln318Ter (NM_001207000.1); short protein forms Q318*.
Identifiers: ClinVar variation 3257429 (VCV003257429.17).
Genomic context (GRCh38, chr4:82,427,259, plus strand): 5'-GACCCCTCGTACCACCTCGTCCACCAGCTGCAGCACCTCTTCCACCTTTTTGTTGTTGCT[G>A]TTGCTGCCTATATACCTCTTTGGGTTGTGCAACTTTGATTTCACACTATAAACAAAAAAC-3'